The following is an entry in ClinVar:

NM_020987.5(ANK3):c.4606C>T (p.Pro1536Ser)

Gene: ANK3 (ankyrin 3; minus strand). Cytogenetic location: 10q21.2.
Variant type: single nucleotide variant.
Coding change: c.4606C>T on transcript NM_020987.5 (MANE Select); coding-DNA position 4606, C replaced by T.
Protein change: p.Pro1536Ser; replaces proline 1536 with serine.
Molecular consequence: missense variant. On other transcripts: intron variant (4).
Genome position (GRCh38, 1-based): chr10:60,076,275, G>A on the plus strand (C>T on the coding strand, the complement: ANK3 is on the minus strand). VCF-style: chr10-60076275-G-A. GRCh37 (hg19) VCF-style: chr10-61836033-G-A.
Other names: c.4387+4262C>T (NM_001204403.2); c.4408+4262C>T (NM_001204404.2); c.4405+4262C>T (NM_001320874.2); c.1807+4262C>T (NM_001149.4); short protein forms P1536S.
Identifiers: ClinVar variation 1910367 (VCV001910367.5), dbSNP rs2492579261, ClinGen allele CA377017239.

ClinVar aggregate classification (germline): Uncertain significance (1 of 4 stars; one submission).

Allele frequency attached by ClinVar (database versions not stated): gnomAD exomes below 0.00001.
gnomAD v4.1: 1 of 1,614,128 alleles (0.000062%); highest among the groups gnomAD compares: Non-Finnish European, 0.000085%; no homozygotes.

Submission:

Labcorp Genetics (formerly Invitae), Labcorp
Classification: Uncertain significance. Last evaluated: 2022-02-20. Review status: criteria provided, single submitter. Criteria: Invitae Variant Classification Sherloc (09022015). Collection method: clinical testing. Allele origin: germline.
Comment: In summary, the available evidence is currently insufficient to determine the role of this variant in disease. Therefore, it has been classified as a Variant of Uncertain Significance. Algorithms developed to predict the effect of missense changes on protein structure and function are either unavailable or do not agree on the potential impact of this missense change (SIFT: "Not Available"; PolyPhen-2: "Probably Damaging"; Align-GVGD: "Not Available"). This variant has not been reported in the literature in individuals affected with ANK3-related conditions. This variant is not present in population databases (gnomAD no frequency). This sequence change replaces proline, which is neutral and non-polar, with serine, which is neutral and polar, at codon 1536 of the ANK3 protein (p.Pro1536Ser).